The following is an entry in ClinVar:

ClinVar aggregate classification (germline): Conflicting classifications of pathogenicity. Review status: criteria provided, conflicting classifications (1 of 4 stars). 6 submissions from 6 submitters: Uncertain significance (1); Benign (3); Likely benign (1). 1 of the submissions does not count toward it. Last evaluated 2026-09-01.

Conditions:
RAB3GAP1-related disorder. Also called: RAB3GAP1-related disorders; RAB3GAP1-related condition.

Allele frequency attached by ClinVar (database versions not stated): gnomAD exomes 0.00078; ExAC 0.00095; gnomAD 0.00279 and 0.00310; 1000 Genomes Project 0.00280; 1000 Genomes Project 30x 0.00281; TOPMed 0.00336; ESP Exome Variant Server 0.00446.
gnomAD v4.1: 908 of 1,612,968 alleles (0.056%); highest among the groups gnomAD compares: African/African-American, 1.1%; 4 homozygotes.

Submissions (6):

CeGaT Center for Human Genetics Tuebingen
Classification: Likely benign. Last evaluated: 2026-09-01. Review status: criteria provided, single submitter. Criteria: CeGaT Center For Human Genetics Tuebingen Variant Classification Criteria Version 2. Collection method: clinical testing. Allele origin: germline. Affected: yes. Observed: 1 variant allele.
Comment: RAB3GAP1: BP4, BS1

Labcorp Genetics (formerly Invitae), Labcorp
Classification: Benign. Last evaluated: 2026-01-05. Review status: criteria provided, single submitter. Criteria: Invitae Variant Classification Sherloc (09022015). Collection method: clinical testing. Allele origin: germline.

GeneDx
Classification: Benign. Last evaluated: 2019-11-20. Review status: criteria provided, single submitter. Criteria: GeneDx Variant Classification Process June 2021. Collection method: clinical testing. Allele origin: germline. Affected: yes.

Genetic Services Laboratory, University of Chicago
Classification: Benign. Last evaluated: 2019-02-26. Review status: criteria provided, single submitter. Criteria: ACMG Guidelines, 2015. Collection method: clinical testing. Allele origin: germline. Affected: no.

Athena Diagnostics
Classification: Uncertain significance. Last evaluated: 2017-03-29. Review status: criteria provided, single submitter. Criteria: Athena Diagnostics Criteria. Collection method: clinical testing. Allele origin: germline.

PreventionGenetics, part of Exact Sciences
Classification: Benign for RAB3GAP1-related condition. Last evaluated: 2019-05-08. Review status: no assertion criteria provided. Collection method: clinical testing. Allele origin: germline. Not counted in ClinVar's aggregate classification.
Comment: This variant is classified as benign based on ACMG/AMP sequence variant interpretation guidelines (Richards et al. 2015 PMID: 25741868, with internal and published modifications).

NM_012233.3(RAB3GAP1):c.2676G>T (p.Arg892Ser)

Gene: RAB3GAP1 (RAB3 GTPase activating protein catalytic subunit 1; plus strand). Cytogenetic location: 2q21.3.
Variant type: single nucleotide variant.
Coding change: c.2676G>T on transcript NM_012233.3 (MANE Select); coding-DNA position 2676, G replaced by T.
Protein change: p.Arg892Ser; replaces arginine 892 with serine.
Molecular consequence: missense variant.
Genome position (GRCh38, 1-based): chr2:135,164,663, G>T. VCF-style: chr2-135164663-G-T. GRCh37 (hg19) VCF-style: chr2-135922233-G-T.
Other names: c.2676G>T, p.Arg892Ser (NM_001172435.2); short protein forms R892S.
Identifiers: ClinVar variation 211980 (VCV000211980.21), dbSNP rs144455066, ClinGen allele CA209451.